The following is an entry in ClinVar:

NM_182961.4(SYNE1):c.20664G>C (p.Trp6888Cys)

Gene: SYNE1 (spectrin repeat containing nuclear envelope protein 1; minus strand). Cytogenetic location: 6q25.2.
Variant type: single nucleotide variant.
Coding change: c.20664G>C on transcript NM_182961.4 (MANE Select); coding-DNA position 20664, G replaced by C.
Protein change: p.Trp6888Cys; replaces tryptophan 6888 with cysteine.
Molecular consequence: missense variant.
Genome position (GRCh38, 1-based): chr6:152,233,829, C>G on the plus strand (G>C on the coding strand, the complement: SYNE1 is on the minus strand). VCF-style: chr6-152233829-C-G. GRCh37 (hg19) VCF-style: chr6-152554964-C-G.
Other names: c.20451G>C, p.Trp6817Cys (NM_033071.5); short protein forms W6817C, W6888C.
Identifiers: ClinVar variation 1708802 (VCV001708802.2), dbSNP rs1208383024, ClinGen allele CA366117783.
Genomic context (GRCh38, chr6:152,233,829, plus strand): 5'-TCCTTTCTGTACCTGGTGGAGCTTCTCCTGGACGGCTGGGATATTGGTTAGCAGGTCAGT[C>G]CACTGGCTATCAATGCGCGACAGCTCAGAGCGCAGCGTGGCTGTGTCCACCTTTTTTAGT-3'
Protein context (NP_892006.3, residues 6878-6898): RSELSRIDSQ[Trp6888Cys]TDLLTNIPAV

ClinVar aggregate classification (germline): Uncertain significance (1 of 4 stars; one submission).

Allele frequency attached by ClinVar (database versions not stated): gnomAD exomes 0.00001.
gnomAD v4.1: 3 of 1,614,180 alleles (0.00019%); highest among the groups gnomAD compares: Non-Finnish European, 0.00025%; no homozygotes.

Submission:

GeneDx
Classification: Uncertain significance. Last evaluated: 2022-04-09. Review status: criteria provided, single submitter. Criteria: GeneDx Variant Classification Process June 2021. Collection method: clinical testing. Allele origin: germline. Affected: yes.
Comment: Not observed at significant frequency in large population cohorts (gnomAD); In silico analysis supports that this missense variant has a deleterious effect on protein structure/function; Has not been previously published as pathogenic or benign to our knowledge